The following is an entry in ClinVar:

ClinVar aggregate classification (germline): Uncertain significance (1 of 4 stars; one submission).

Submission:

Labcorp Genetics (formerly Invitae), Labcorp
Classification: Uncertain significance. Last evaluated: 2022-03-26. Review status: criteria provided, single submitter. Criteria: Invitae Variant Classification Sherloc (09022015). Collection method: clinical testing. Allele origin: germline.
Comment: Algorithms developed to predict the effect of missense changes on protein structure and function (SIFT, PolyPhen-2, Align-GVGD) all suggest that this variant is likely to be tolerated. In summary, the available evidence is currently insufficient to determine the role of this variant in disease. Therefore, it has been classified as a Variant of Uncertain Significance. This variant has not been reported in the literature in individuals affected with KIF11-related conditions. This variant is not present in population databases (gnomAD no frequency). This sequence change replaces glutamine, which is neutral and polar, with lysine, which is basic and polar, at codon 756 of the KIF11 protein (p.Gln756Lys).

NM_004523.4(KIF11):c.2266C>A (p.Gln756Lys)

Gene: KIF11 (kinesin family member 11; plus strand). Cytogenetic location: 10q23.33.
Variant type: single nucleotide variant.
Coding change: c.2266C>A on transcript NM_004523.4 (MANE Select); coding-DNA position 2266, C replaced by A.
Protein change: p.Gln756Lys; replaces glutamine 756 with lysine.
Molecular consequence: missense variant.
Genome position (GRCh38, 1-based): chr10:92,639,899, C>A. VCF-style: chr10-92639899-C-A. GRCh37 (hg19) VCF-style: chr10-94399656-C-A.
Other names: short protein forms Q756K.
Identifiers: ClinVar variation 1967185 (VCV001967185.5), dbSNP rs2492528912, ClinGen allele CA377593815.